The following is an entry in ClinVar:

ClinVar aggregate classification (germline): Uncertain significance (1 of 4 stars; one submission).

Submission:

Labcorp Genetics (formerly Invitae), Labcorp
Classification: Uncertain significance. Last evaluated: 2022-10-07. Review status: criteria provided, single submitter. Criteria: Invitae Variant Classification Sherloc (09022015). Collection method: clinical testing. Allele origin: germline.
Comment: This sequence change replaces glutamic acid, which is acidic and polar, with aspartic acid, which is acidic and polar, at codon 373 of the DDX58 protein (p.Glu373Asp). In summary, the available evidence is currently insufficient to determine the role of this variant in disease. Therefore, it has been classified as a Variant of Uncertain Significance. This variant disrupts the p.Glu373 amino acid residue in DDX58. Other variant(s) that disrupt this residue have been determined to be pathogenic (PMID: 25630203). This suggests that this residue is clinically significant, and that variants that disrupt this residue are likely to be disease-causing. Advanced modeling of protein sequence and biophysical properties (such as structural, functional, and spatial information, amino acid conservation, physicochemical variation, residue mobility, and thermodynamic stability) performed at Invitae indicates that this missense variant is expected to disrupt DDX58 protein function. This variant has not been reported in the literature in individuals affected with DDX58-related conditions. This variant is not present in population databases (gnomAD no frequency).

Literature cited by the submitters: PubMed 25630203.

NM_014314.4(RIGI):c.1119A>T (p.Glu373Asp)

Gene: RIGI (RNA sensor RIG-I; minus strand). Cytogenetic location: 9p21.1.
Variant type: single nucleotide variant.
Coding change: c.1119A>T on transcript NM_014314.4 (MANE Select); coding-DNA position 1119, A replaced by T.
Protein change: p.Glu373Asp; replaces glutamic acid 373 with aspartic acid.
Molecular consequence: missense variant.
Genome position (GRCh38, 1-based): chr9:32,488,038, T>A on the plus strand (A>T on the coding strand, the complement: RIGI is on the minus strand). VCF-style: chr9-32488038-T-A. GRCh37 (hg19) VCF-style: chr9-32488036-T-A.
Other names: c.1113A>T, p.Glu371Asp (NM_001385907.1); c.1119A>T, p.Glu373Asp (NM_001385909.1); c.678A>T, p.Glu226Asp (NM_001385910.1); c.510A>T, p.Glu170Asp (NM_001385912.1); c.1104A>T, p.Glu368Asp (NM_001385913.1); c.675A>T, p.Glu225Asp (NM_001385914.1); short protein forms E368D, E225D, E226D, E170D, E371D, E373D.
Identifiers: ClinVar variation 2030035 (VCV002030035.4), dbSNP rs1554667396, ClinGen allele CA373157782.
Genomic context (GRCh38, chr9:32,488,038, plus strand): 5'-CTGATCTAGATAATTAAACATGATCATATTGTACGGGTGTTGTTTACTAGTGTTGTGGCA[T>A]TCATCAAATATCATCAAAGTAAAGATGGATAGTGATGGAATCGTTCCCTTTTTAAGGTTG-3'
Protein context (NP_055129.2, residues 363-383): LSIFTLMIFD[Glu373Asp]CHNTSKQHPY